The following is an entry in ClinVar:

ClinVar aggregate classification (germline): Conflicting classifications of pathogenicity. Review status: criteria provided, conflicting classifications (1 of 4 stars). 5 submissions from 5 submitters: Uncertain significance (3); Likely benign (1). 1 of the submissions does not count toward it. Last evaluated 2026-01-05.

Conditions:
Inborn genetic diseases. Identifiers: MedGen C0950123, MeSH D030342.
Congenital hyperammonemia, type I. Also called: CPS I DEFICIENCY; Carbamoyl phosphate synthetase 1 deficiency; Hyperammonemia due to carbamoyl phosphate synthetase 1 deficiency; CPS 1 deficiency; Carbamyl phosphate synthetase (CPS) deficiency; Carbamoyl phosphate synthetase I deficiency disease. Identifiers: Orphanet 147, MedGen C4082171, MONDO:0009376, OMIM 237300.

Allele frequency attached by ClinVar (database versions not stated): ExAC 0.00007; gnomAD exomes 0.00008 and 0.00015; gnomAD 0.00018 and 0.00021; ESP Exome Variant Server 0.00031; TOPMed 0.00032.
gnomAD v4.1: 153 of 1,611,998 alleles (0.0095%); highest among the groups gnomAD compares: Admixed American, 0.03%; no homozygotes.

Submissions (5):

Labcorp Genetics (formerly Invitae), Labcorp
Classification: Likely benign for Congenital hyperammonemia, type I. Last evaluated: 2026-01-05. Review status: criteria provided, single submitter. Criteria: Invitae Variant Classification Sherloc (09022015). Collection method: clinical testing. Allele origin: germline.

GeneDx
Classification: Uncertain significance. Last evaluated: 2021-12-02. Review status: criteria provided, single submitter. Criteria: GeneDx Variant Classification Process June 2021. Collection method: clinical testing. Allele origin: germline. Affected: yes.
Comment: The majority of missense variants in this gene are considered pathogenic (Stenson et al., 2014); In silico analysis, which includes protein predictors and evolutionary conservation, supports that this variant does not alter protein structure/function; Has not been previously published as pathogenic or benign to our knowledge

Ambry Genetics
Classification: Uncertain significance for Inborn genetic diseases. Last evaluated: 2021-08-10. Review status: criteria provided, single submitter. Criteria: Ambry Variant Classification Scheme 2023. Collection method: clinical testing. Allele origin: germline.

Illumina Laboratory Services, Illumina
Classification: Uncertain significance for Congenital hyperammonemia, type I. Last evaluated: 2018-01-13. Review status: criteria provided, single submitter. Criteria: ICSL Variant Classification Criteria 13 December 2019. Collection method: clinical testing. Allele origin: germline.

Natera, Inc.
Classification: Uncertain significance for Carbamoyl-phosphate synthase I deficiency. Last evaluated: 2020-09-16. Review status: no assertion criteria provided. Collection method: clinical testing. Allele origin: germline. Not counted in ClinVar's aggregate classification.

NM_001875.5(CPS1):c.5C>T (p.Thr2Met)

Gene: CPS1 (carbamoyl-phosphate synthase 1; plus strand). Cytogenetic location: 2q34.
Variant type: single nucleotide variant.
Coding change: c.5C>T on transcript NM_001875.5 (MANE Select); coding-DNA position 5, C replaced by T.
Protein change: p.Thr2Met; replaces threonine 2 with methionine.
Molecular consequence: missense variant. On other transcripts: non-coding transcript variant (1).
Genome position (GRCh38, 1-based): chr2:210,556,738, C>T. VCF-style: chr2-210556738-C-T. GRCh37 (hg19) VCF-style: chr2-211421462-C-T.
Other names: c.5C>T (LRG_336t1); c.5C>T, p.Thr2Met (NM_001122633.3, NM_001369257.1); c.38C>T, p.Thr13Met (NM_001369256.1); short protein forms T2M, T13M.
Identifiers: ClinVar variation 334009 (VCV000334009.18), dbSNP rs150314086, ClinGen allele CA2085922.